The following is an entry in ClinVar:

NM_000834.5(GRIN2B):c.3219C>G (p.Ile1073Met)

Gene: GRIN2B (glutamate ionotropic receptor NMDA type subunit 2B; minus strand). Cytogenetic location: 12p13.1.
Variant type: single nucleotide variant.
Coding change: c.3219C>G on transcript NM_000834.5 (MANE Select); coding-DNA position 3219, C replaced by G.
Protein change: p.Ile1073Met; replaces isoleucine 1073 with methionine.
Molecular consequence: missense variant.
Genome position (GRCh38, 1-based): chr12:13,564,019, G>C on the plus strand (C>G on the coding strand, the complement: GRIN2B is on the minus strand). VCF-style: chr12-13564019-G-C. GRCh37 (hg19) VCF-style: chr12-13716953-G-C.
Other names: c.3219C>G, p.Ile1073Met (NM_001413992.1); short protein forms I1073M.
Identifiers: ClinVar variation 2499261 (VCV002499261.1), dbSNP rs376935636, ClinGen allele CA383990393.

ClinVar aggregate classification (germline): Uncertain significance (1 of 4 stars; one submission).

Submission:

GeneDx
Classification: Uncertain significance. Last evaluated: 2023-04-13. Review status: criteria provided, single submitter. Criteria: GeneDx Variant Classification Process June 2021. Collection method: clinical testing. Allele origin: germline. Affected: yes.
Comment: Not observed at significant frequency in large population cohorts (gnomAD); In silico analysis supports that this missense variant does not alter protein structure/function; Has not been previously published as pathogenic or benign to our knowledge